The following is an entry in ClinVar:

NM_001211.6(BUB1B):c.199C>T (p.Arg67Ter)

Gene: BUB1B (BUB1 mitotic checkpoint serine/threonine kinase B; plus strand). Cytogenetic location: 15q15.1.
Variant type: single nucleotide variant.
Coding change: c.199C>T on transcript NM_001211.6 (MANE Select); coding-DNA position 199, C replaced by T.
Protein change: p.Arg67Ter; replaces arginine 67 with a stop codon.
Molecular consequence: nonsense.
Genome position (GRCh38, 1-based): chr15:40,170,081, C>T. VCF-style: chr15-40170081-C-T. GRCh37 (hg19) VCF-style: chr15-40462282-C-T.
Other names: c.199C>T (NM_001211.5); short protein forms R67*.
Identifiers: ClinVar variation 1450254 (VCV001450254.9), dbSNP rs200884355, ClinGen allele CA7475406.
Genomic context (GRCh38, chr15:40,170,081, plus strand): 5'-GTCACTATTGCATATGCTAACTTTTTCTGTTTACATTTCAGGGCATTTGAATATGAAATT[C>T]GATTTTACACTGGAAATGACCCTCTGGATGTTTGGGATAGGTGGGTCTTTTTATTTCACA-3'

ClinVar aggregate classification (germline): Pathogenic/Likely pathogenic. Review status: criteria provided, multiple submitters, no conflicts (2 of 4 stars). 3 submissions from 3 submitters: Pathogenic (2); Likely pathogenic (1). Last evaluated 2025-06-05.

Conditions:
BUB1B-related disorder. Also called: BUB1B-related condition.
Inborn genetic diseases. Identifiers: MedGen C0950123, MeSH D030342.
Mosaic variegated aneuploidy syndrome 1 (MVA1). Also called: Warburton-Anyane-Yeboa syndrome. Identifiers: Orphanet 1052, MedGen C1850343, MONDO:0009759, OMIM 257300.

Allele frequency attached by ClinVar (database versions not stated): ExAC 0.00001; gnomAD 0.00001; gnomAD exomes 0.00001 and 0.00002; 1000 Genomes Project 0.00020; 1000 Genomes Project 30x 0.00031.
gnomAD v4.1: 20 of 1,613,798 alleles (0.0012%); highest among the groups gnomAD compares: Admixed American, 0.022%; no homozygotes.

Submissions (3):

Ambry Genetics
Classification: Pathogenic for Inborn genetic diseases. Last evaluated: 2025-06-05. Review status: criteria provided, single submitter. Criteria: Ambry Variant Classification Scheme 2023. Collection method: clinical testing. Allele origin: germline.
Comment: The c.199C>T (p.R67*) alteration, located in exon 3 (coding exon 3) of the BUB1B gene, consists of a C to T substitution at nucleotide position 199. This changes the amino acid from an arginine (R) to a stop codon at amino acid position 67. This alteration is expected to result in loss of function by premature protein truncation or nonsense-mediated mRNA decay. Based on data from gnomAD, the T allele has an overall frequency of 0.002% (4/251450) total alleles studied. The highest observed frequency was 0.012% (4/34588) of Latino alleles. Based on the available evidence, this alteration is classified as pathogenic.

Labcorp Genetics (formerly Invitae), Labcorp
Classification: Pathogenic for Mosaic variegated aneuploidy syndrome 1. Last evaluated: 2024-03-13. Review status: criteria provided, single submitter. Criteria: Invitae Variant Classification Sherloc (09022015). Collection method: clinical testing. Allele origin: germline.
Comment: This sequence change creates a premature translational stop signal (p.Arg67*) in the BUB1B gene. It is expected to result in an absent or disrupted protein product. Loss-of-function variants in BUB1B are known to be pathogenic (PMID: 15475955, 21190457). This variant is present in population databases (rs200884355, gnomAD 0.01%). This premature translational stop signal has been observed in individual(s) with pancreatic cancer (PMID: 30716324). ClinVar contains an entry for this variant (Variation ID: 1450254). For these reasons, this variant has been classified as Pathogenic.

Blueprint Genetics
Classification: Likely pathogenic for BUB1B-related disorders. Last evaluated: 2021-02-02. Review status: criteria provided, single submitter. Criteria: ACMG Guidelines, 2015. Collection method: clinical testing. Allele origin: germline. Affected: yes. Observed: 1 variant allele.

Literature cited by the submitters: PubMed 15475955 (cited by Labcorp Genetics (formerly Invitae), Labcorp); PubMed 21190457 (cited by Labcorp Genetics (formerly Invitae), Labcorp); PubMed 30716324 (cited by Labcorp Genetics (formerly Invitae), Labcorp).